The following is an entry in ClinVar:

NM_001379110.1(SLC9A6):c.67C>G (p.Leu23Val)

Genes: SLC9A6 (solute carrier family 9 member A6; plus strand), LOC130068747 (ATAC-STARR-seq lymphoblastoid active region 29988; plus strand). Cytogenetic location: Xq26.3.
Variant type: single nucleotide variant.
Coding change: c.67C>G on transcript NM_001379110.1 (MANE Select); coding-DNA position 67, C replaced by G.
Protein change: p.Leu23Val; replaces leucine 23 with valine.
Molecular consequence: missense variant.
Genome position (GRCh38, 1-based): chrX:135,985,725, C>G. VCF-style: chrX-135985725-C-G. GRCh37 (hg19) VCF-style: chrX-135067884-C-G.
Other names: c.223C>G, p.Leu75Val (NM_001042537.2, NM_006359.3); c.67C>G, p.Leu23Val (NM_001177651.2, NM_001330652.2, NM_001400909.1 and 4 more transcripts); short protein forms L23V, L75V.
Identifiers: ClinVar variation 1878535 (VCV001878535.2), dbSNP rs782056346, ClinGen allele CA336084467.

ClinVar aggregate classification (germline): Uncertain significance. Review status: criteria provided, multiple submitters, no conflicts (2 of 4 stars). 2 submissions from 2 submitters: Uncertain significance (2). Last evaluated 2026-06-29.

Conditions:
Christianson syndrome (MRXSCH). Also called: X-linked mental retardation, syndromic, Christianson type; SLC9A6-Related Syndromic Mental Retardation; INTELLECTUAL DEVELOPMENTAL DISORDER, X-LINKED, SYNDROMIC, CHRISTIANSON TYPE. Identifiers: Orphanet 85278, MedGen C2678194, MONDO:0010278, OMIM 300243.

Allele frequency attached by ClinVar (database versions not stated): gnomAD exomes below 0.00001.
gnomAD v4.1: 1 of 1,211,899 alleles (0.000083%); highest among the groups gnomAD compares: Non-Finnish European, 0.00011%; no homozygotes.

Submissions (2):

Laboratory of Medical Genetics, University of Torino
Classification: Uncertain significance for Christianson syndrome. Last evaluated: 2026-06-29. Review status: criteria provided, single submitter. Criteria: ACMG Guidelines, 2015. Collection method: clinical testing. Allele origin: maternal. Affected: yes.

Neuberg Centre For Genomic Medicine, NCGM
Classification: Uncertain significance for Christianson syndrome. Review status: criteria provided, single submitter. Criteria: ACMG Guidelines, 2015. Collection method: clinical testing. Allele origin: germline. Affected: yes.
Comment: The missense variant p.L75V in SLC9A6 (NM_006359.3) has not been reported previously as a pathogenic variant nor as a benign variant, to our knowledge. The p.L75V variant is novel (not in any individuals) in gnomAD Exomes and is novel (not in any individuals) in 1000 Genomes. In silico predictions predict the variant to be damaging and the residue is conserved across species. For these reasons, this variant has been classified as Uncertain Significance.